The following is an entry in ClinVar:

ClinVar aggregate classification (germline): Benign/Likely benign. Review status: criteria provided, multiple submitters, no conflicts (2 of 4 stars). 2 submissions from 2 submitters: Benign (1); Likely benign (1). Last evaluated 2024-11-26.

Submissions (2):

Blueprint Genetics
Classification: Likely benign. Last evaluated: 2024-11-26. Review status: criteria provided, single submitter. Criteria: ACMG Guidelines, 2015. Collection method: clinical testing. Allele origin: germline.

Mayo Clinic Laboratories, Mayo Clinic
Classification: Benign. Last evaluated: 2023-08-11. Review status: criteria provided, single submitter. Criteria: ACMG Guidelines, 2015. Collection method: clinical testing. Allele origin: germline. Observed: 285 variant alleles.
Comment: BA1, BP4, BP7

NM_032782.5(HAVCR2):c.479-30CT[10]

Gene: HAVCR2 (hepatitis A virus cellular receptor 2; minus strand). Cytogenetic location: 5q33.3.
Variant type: Microsatellite.
Coding change: c.479-30CT[10] on transcript NM_032782.5 (MANE Select); ten copies in a row of the 2-base unit CT starting at c.479-30; the reference has 11 copies in a row; one copy, 2 bases deleted.
Molecular consequence: intron variant.
Genome position (GRCh38, 1-based): chr5:157,098,910-157,098,911, AG deleted on the plus strand (CT on the coding strand, the reverse complement: HAVCR2 is on the minus strand); deleting any 2 consecutive bases within chr5:157,098,910-157,098,931 gives the same sequence; the position shown is the placement nearest the transcript's 3' end. VCF-style (leftmost placement, unchanged base first): chr5-157098909-AAG-A. GRCh37 (hg19) VCF-style: chr5-156525920-AAG-A.
Other names: p.?; c.479-10_479-9del (NM_032782.5).
Identifiers: ClinVar variation 4684874 (VCV004684874.2).